The following is an entry in ClinVar:

NM_005184.4(CALM3):c.421G>A (p.Glu141Lys)

Gene: CALM3 (calmodulin 3; plus strand). Cytogenetic location: 19q13.32.
Variant type: single nucleotide variant.
Coding change: c.421G>A on transcript NM_005184.4 (MANE Select); coding-DNA position 421, G replaced by A.
Protein change: p.Glu141Lys; replaces glutamic acid 141 with lysine.
Molecular consequence: missense variant.
Genome position (GRCh38, 1-based): chr19:46,608,981, G>A. VCF-style: chr19-46608981-G-A. GRCh37 (hg19) VCF-style: chr19-47112238-G-A.
Other names: c.421G>A (NM_005184.3); c.313G>A, p.Glu105Lys (NM_001329921.1, NM_001329923.1, NM_001329924.2 and 2 more transcripts); c.421G>A, p.Glu141Lys (NM_001329922.1); short protein forms E141K, E105K.
Identifiers: ClinVar variation 812678 (VCV000812678.10), dbSNP rs1599759598, ClinGen allele CA406473767.

ClinVar aggregate classification (germline): Pathogenic. Review status: criteria provided, multiple submitters, no conflicts (2 of 4 stars). 3 submissions from 3 submitters: Pathogenic (2). 1 of the submissions does not count toward it. Last evaluated 2021-07-07.

Conditions:
Long QT syndrome 1 (LQT1). Identifiers: Orphanet 101016, Orphanet 768, MedGen C4551647, MONDO:0100316, OMIM 192500, MONDO:0008646.
Long QT syndrome 16. Identifiers: MedGen C5394068, MONDO:0032915, OMIM 618782.

Submissions (3):

Labcorp Genetics (formerly Invitae), Labcorp
Classification: Pathogenic for Long QT syndrome 1. Last evaluated: 2021-07-07. Review status: criteria provided, single submitter. Criteria: Invitae Variant Classification Sherloc (09022015). Collection method: clinical testing. Allele origin: germline.
Comment: This sequence change replaces glutamic acid with lysine at codon 141 of the CALM3 protein (p.Glu141Lys). The glutamic acid residue is highly conserved and there is a small physicochemical difference between glutamic acid and lysine. This variant is not present in population databases (ExAC no frequency). This variant has been observed in individual(s) with long QT syndrome (PMID: 31454269). In at least one individual the variant was observed to be de novo. ClinVar contains an entry for this variant (Variation ID: 812678). Algorithms developed to predict the effect of missense changes on protein structure and function (SIFT, PolyPhen-2, Align-GVGD) all suggest that this variant is likely to be disruptive. Experimental studies have shown that this variant affects CALM3 protein function (PMID: 31454269). Algorithms developed to predict the effect of sequence changes on RNA splicing suggest that this variant may disrupt the consensus splice site. This variant disrupts the p.Glu141 amino acid residue in CALM3. Other variant(s) that disrupt this residue have been determined to be pathogenic (Invitae). This suggests that this residue is clinically significant, and that variants that disrupt this residue are likely to be disease-causing. For these reasons, this variant has been classified as Pathogenic.

Victorian Clinical Genetics Services, Murdoch Childrens Research Institute
Classification: Pathogenic for Long QT syndrome 16. Last evaluated: 2020-05-26. Review status: criteria provided, single submitter. Criteria: ACMG Guidelines, 2015. Collection method: clinical testing. Allele origin: germline. Inheritance: Autosomal dominant inheritance. Affected: yes.
Comment: Based on the classification scheme VCGS_Germline_v1.1.1, this variant is classified as Pathogenic. Following criteria are met: 0102 - Loss-of-function is a reported mechanism of disease for this gene. (N) 0107 - This gene is known to be associated with autosomal dominant disease. (N) 0200 - Variant is predicted to result in a missense amino acid change from glutamic acid to lysine (exon 5). (N) 0251 - Variant is heterozygous. (N) 0301 - Variant is absent from gnomAD. (P) 0502 - Missense variant with conflicting in silico predictions and/or uninformative conservation. (N) 0508 - Variant affects last nucleotide of an exon however, conservation and in silico predictions for abnormal splicing are conflicting (N) 0603 - Missense variant in a region that is highly intolerant to missense variation (high constraint region). (P) 0704 - Comparable variant has low previous evidence for pathogenicity. p.(Glu141Gly) has been reported likely pathogenic (ClinVar). (P) 0802 - Moderate previous evidence of pathogenicity in unrelated individuals. Seen 2x in patients with long QT syndrome, including 1 de novo (PMID: 31454269). (P) 1002 - Moderate functional evidence supporting abnormal protein function. In vitro assays demonstrated reduced Ca2+ binding (PMID: 31454269). (P) 1208 - Inheritance information for this variant is not currently available. (N) Legend: (P) - Pathogenic, (N) - Neutral, (B) - Benign

OMIM
Classification: Pathogenic for LONG QT SYNDROME 16. Last evaluated: 2020-02-21. Review status: no assertion criteria provided. Collection method: literature only. Allele origin: unknown. Not counted in ClinVar's aggregate classification.

Literature cited by the submitters: PubMed 31454269 (cited by Labcorp Genetics (formerly Invitae), Labcorp and Victorian Clinical Genetics Services, Murdoch Childrens Research Institute); Wren, L. M., Jimenez-Jaimez, J., Al-Ghamdi, S., Al-Aama, J. Y., Bdeir, pectra., Al-Hassnan, Z. N., Kuan, J. L., Foo, R. Y., Potet, F., Johnson, C. N., Aziz, M. C., Carvill, G. L., and 9 others Genetic mosaicism in calmodulinopathy. Circ. Genom. Precis. Med. 12: e002581, 2019. Note: Electronic Article. (cited by OMIM).